The following is an entry in ClinVar:

NC_000005.10:g.112707386G>A

Gene: APC (APC regulator of Wnt signaling pathway; plus strand). Cytogenetic location: 5q22.2.
Variant type: single nucleotide variant.
Genome position: GRCh38 VCF-style: chr5-112707386-G-A. GRCh37 (hg19) VCF-style: chr5-112043083-G-A.
Other names: c.-332G>A (NM_001354897.2).
Identifiers: ClinVar variation 1467626 (VCV001467626.6), dbSNP rs1351477360, ClinGen allele CA2573138747.
Genomic context (GRCh38, chr5:112,707,386, plus strand): 5'-AGAGAAGGCCAGTAAGTGCTGCAACTGAGACTCGGCTGCCTAGGCAGCAATGGCTCACGG[G>A]ACAGAACAGCGAAGCAGTGCCCGGCAAGCGGAGCGCAGCACCCATTGCGCCTGCGCATAA-3'

ClinVar aggregate classification (germline): Conflicting classifications of pathogenicity. Review status: criteria provided, conflicting classifications (1 of 4 stars). 2 submissions from 2 submitters: Uncertain significance (1); Likely benign (1). Last evaluated 2025-03-04.

Conditions:
Familial adenomatous polyposis 1 (FAP1). Also called: FAMILIAL ADENOMATOUS POLYPOSIS 1, ATTENUATED; POLYPOSIS, ADENOMATOUS INTESTINAL. Identifiers: MedGen C2713442, MONDO:0021056, OMIM 175100. Disease mechanism: loss of function.

Submissions (2):

Center for Genomic Medicine, Rigshospitalet, Copenhagen University Hospital
Classification: Likely benign. Last evaluated: 2025-03-04. Review status: criteria provided, single submitter. Criteria: ACMG Guidelines, 2015. Collection method: clinical testing. Allele origin: germline.

Labcorp Genetics (formerly Invitae), Labcorp
Classification: Uncertain significance for Familial adenomatous polyposis 1. Last evaluated: 2022-10-30. Review status: criteria provided, single submitter. Criteria: Invitae Variant Classification Sherloc (09022015). Collection method: clinical testing. Allele origin: germline.
Comment: In summary, the available evidence is currently insufficient to determine the role of this variant in disease. Therefore, it has been classified as a Variant of Uncertain Significance. This variant occurs in a non-coding region of the APC gene. It does not change the encoded amino acid sequence of the APC protein. This variant is not present in population databases (gnomAD no frequency). This variant has not been reported in the literature in individuals affected with APC-related conditions. Experimental studies and prediction algorithms are not available or were not evaluated, and the functional significance of this variant is currently unknown.